The following is an entry in ClinVar:

NM_015338.6(ASXL1):c.335G>A (p.Gly112Glu)

Gene: ASXL1 (ASXL transcriptional regulator 1; plus strand). Cytogenetic location: 20q11.21.
Variant type: single nucleotide variant.
Coding change: c.335G>A on transcript NM_015338.6 (MANE Select); coding-DNA position 335, G replaced by A.
Protein change: p.Gly112Glu; replaces glycine 112 with glutamic acid.
Molecular consequence: missense variant.
Genome position (GRCh38, 1-based): chr20:32,428,210, G>A. VCF-style: chr20-32428210-G-A. GRCh37 (hg19) VCF-style: chr20-31016013-G-A.
Other names: c.305G>A, p.Gly102Glu (NM_001363734.1); short protein forms G112E, G102E.
Identifiers: ClinVar variation 3794042 (VCV003794042.1).

ClinVar aggregate classification (germline): Uncertain significance (1 of 4 stars; one submission).

Conditions:
Inborn genetic diseases. Identifiers: MedGen C0950123, MeSH D030342.

Submission:

Ambry Genetics
Classification: Uncertain significance for Inborn genetic diseases. Last evaluated: 2025-03-04. Review status: criteria provided, single submitter. Criteria: Ambry Variant Classification Scheme 2023. Collection method: clinical testing. Allele origin: germline.
Comment: The p.G112E variant (also known as c.335G>A), located in coding exon 5 of the ASXL1 gene, results from a G to A substitution at nucleotide position 335. The glycine at codon 112 is replaced by glutamic acid, an amino acid with similar properties. This amino acid position is conserved. In addition, this alteration is predicted to be tolerated by in silico analysis. Based on the available evidence, the clinical significance of this variant remains unclear.